The following is an entry in ClinVar:

ClinVar aggregate classification (germline): Conflicting classifications of pathogenicity. Review status: criteria provided, conflicting classifications (1 of 4 stars). 3 submissions from 3 submitters: Uncertain significance (1); Likely benign (1). 1 of the submissions does not count toward it. Last evaluated 2025-08-10.

Conditions:
DNAH9-related disorder. Also called: DNAH9-related condition.

Allele frequency attached by ClinVar (database versions not stated): gnomAD exomes 0.00002; ExAC 0.00003; gnomAD 0.00003; TOPMed 0.00003; 1000 Genomes Project 30x 0.00016; 1000 Genomes Project 0.00020.
gnomAD v4.1: 36 of 1,614,118 alleles (0.0022%); highest among the groups gnomAD compares: Middle Eastern, 0.083%; no homozygotes.

Submissions (3):

Labcorp Genetics (formerly Invitae), Labcorp
Classification: Uncertain significance. Last evaluated: 2025-08-10. Review status: criteria provided, single submitter. Criteria: Invitae Variant Classification Sherloc (09022015). Collection method: clinical testing. Allele origin: germline.
Comment: This sequence change replaces threonine, which is neutral and polar, with methionine, which is neutral and non-polar, at codon 4045 of the DNAH9 protein (p.Thr4045Met). This variant is present in population databases (rs575817556, gnomAD 0.02%). This variant has not been reported in the literature in individuals affected with DNAH9-related conditions. ClinVar contains an entry for this variant (Variation ID: 2083609). An algorithm developed to predict the effect of missense changes on protein structure and function outputs the following: PolyPhen-2: "Benign". The methionine amino acid residue is found in multiple mammalian species, which suggests that this missense change does not adversely affect protein function. In summary, the available evidence is currently insufficient to determine the role of this variant in disease. Therefore, it has been classified as a Variant of Uncertain Significance.

Blueprint Genetics
Classification: Likely benign. Last evaluated: 2024-08-09. Review status: criteria provided, single submitter. Criteria: ACMG Guidelines, 2015. Collection method: clinical testing. Allele origin: germline.

PreventionGenetics, part of Exact Sciences
Classification: Uncertain significance for DNAH9-related condition. Last evaluated: 2024-02-26. Review status: no assertion criteria provided. Collection method: clinical testing. Allele origin: germline. Not counted in ClinVar's aggregate classification.
Comment: The DNAH9 c.12134C>T variant is predicted to result in the amino acid substitution p.Thr4045Met. To our knowledge, this variant has not been reported in the literature. This variant is reported in 0.016% of alleles in individuals of East Asian descent in gnomAD. At this time, the clinical significance of this variant is uncertain due to the absence of conclusive functional and genetic evidence.

NM_001372.4(DNAH9):c.12134C>T (p.Thr4045Met)

Gene: DNAH9 (dynein axonemal heavy chain 9; plus strand). Cytogenetic location: 17p12.
Variant type: single nucleotide variant.
Coding change: c.12134C>T on transcript NM_001372.4 (MANE Select); coding-DNA position 12134, C replaced by T.
Protein change: p.Thr4045Met; replaces threonine 4045 with methionine.
Molecular consequence: missense variant.
Genome position (GRCh38, 1-based): chr17:11,932,042, C>T. VCF-style: chr17-11932042-C-T. GRCh37 (hg19) VCF-style: chr17-11835359-C-T.
Other names: c.1070C>T, p.Thr357Met (NM_004662.2); c.12134C>T (NM_001372.3); short protein forms T4045M, T357M.
Identifiers: ClinVar variation 2083609 (VCV002083609.7), dbSNP rs575817556, ClinGen allele CA8398071.